The following is an entry in ClinVar:

NM_198578.4(LRRK2):c.1193A>C (p.His398Pro)

Gene: LRRK2 (leucine rich repeat kinase 2; plus strand). Cytogenetic location: 12q12.
Variant type: single nucleotide variant.
Coding change: c.1193A>C on transcript NM_198578.4 (MANE Select); coding-DNA position 1193, A replaced by C.
Protein change: p.His398Pro; replaces histidine 398 with proline.
Molecular consequence: missense variant.
Genome position (GRCh38, 1-based): chr12:40,252,921, A>C. VCF-style: chr12-40252921-A-C. GRCh37 (hg19) VCF-style: chr12-40646723-A-C.
Other names: short protein forms H398P.
Identifiers: ClinVar variation 2587238 (VCV002587238.2), dbSNP rs1483728068, ClinGen allele CA384409150.
Genomic context (GRCh38, chr12:40,252,921, plus strand): 5'-ATAGTTATTTAAAAGATTACTACTAACATTTTGTTTGAATTTTTGAAAGTTTCCCAGCTC[A>C]TAGGGAAGTGATGCTCTCCATGCTGATGCATTCTTCATCAAAGGAAGTTTTCCAGGCATC-3'
Protein context (NP_940980.4, residues 388-408): IGDEDGHFPA[His398Pro]REVMLSMLMH

ClinVar aggregate classification (germline): Uncertain significance (1 of 4 stars; one submission).

Conditions:
Inborn genetic diseases. Identifiers: MedGen C0950123, MeSH D030342.

Allele frequency attached by ClinVar (database versions not stated): gnomAD 0.00001; TOPMed 0.00001.
gnomAD v4.1: 4 of 1,612,670 alleles (0.00025%); highest among the groups gnomAD compares: Non-Finnish European, 0.00034%; no homozygotes.

Submission:

Ambry Genetics
Classification: Uncertain significance for Inborn genetic diseases. Last evaluated: 2023-06-24. Review status: criteria provided, single submitter. Criteria: Ambry Variant Classification Scheme 2023. Collection method: clinical testing. Allele origin: germline.
Comment: The p.H398P variant (also known as c.1193A>C), located in coding exon 11 of the LRRK2 gene, results from an A to C substitution at nucleotide position 1193. The histidine at codon 398 is replaced by proline, an amino acid with similar properties. This amino acid position is conserved. In addition, this alteration is predicted to be deleterious by in silico analysis. Since supporting evidence is limited at this time, the clinical significance of this alteration remains unclear.